The following is an entry in ClinVar:

ClinVar aggregate classification (germline): Uncertain significance (1 of 4 stars; one submission).

Submission:

GeneDx
Classification: Uncertain significance. Last evaluated: 2022-06-09. Review status: criteria provided, single submitter. Criteria: GeneDx Variant Classification Process June 2021. Collection method: clinical testing. Allele origin: germline. Affected: yes.
Comment: Not observed at significant frequency in large population cohorts (gnomAD); Missense variants in this gene are often considered pathogenic (HGMD); In silico analysis supports that this missense variant has a deleterious effect on protein structure/function; Has not been previously published as pathogenic or benign to our knowledge; This substitution is predicted to be within the transmembrane segment S1 of the first homologous domain

NM_001040142.2(SCN2A):c.437T>C (p.Met146Thr)

Gene: SCN2A (sodium voltage-gated channel alpha subunit 2; plus strand). Cytogenetic location: 2q24.3.
Variant type: single nucleotide variant.
Coding change: c.437T>C on transcript NM_001040142.2 (MANE Select); coding-DNA position 437, T replaced by C.
Protein change: p.Met146Thr; replaces methionine 146 with threonine.
Molecular consequence: missense variant.
Genome position (GRCh38, 1-based): chr2:165,307,898, T>C. VCF-style: chr2-165307898-T-C. GRCh37 (hg19) VCF-style: chr2-166164408-T-C.
Other names: c.437T>C, p.Met146Thr (NM_001040143.2, NM_001371246.1, NM_001371247.1 and 1 more transcripts); short protein forms M146T.
Identifiers: ClinVar variation 1803631 (VCV001803631.1), dbSNP rs2467880949, ClinGen allele CA349015220.